The following is an entry in ClinVar:

ClinVar aggregate classification (germline): Pathogenic/Likely pathogenic. Review status: criteria provided, multiple submitters, no conflicts (2 of 4 stars). 3 submissions from 3 submitters: Pathogenic (1); Likely pathogenic (1). 1 of the submissions does not count toward it. Last evaluated 2022-11-04.

Conditions:
Charcot-Marie-Tooth disease, type I (CMT1). Also called: Charcot-Marie-Tooth disease type 1; Charcot-Marie-Tooth, Type 1. Identifiers: Orphanet 65753, MedGen C0751036, MONDO:0019011.
Charcot-Marie-Tooth disease. Also called: Charcot-Marie-Tooth Neuropathy; Charcot-Marie-Tooth Hereditary Neuropathy. Identifiers: Orphanet 166, MedGen C0007959, MONDO:0015626.
Intellectual disability. Also called: Intellectual developmental disorder; Intellectual functioning disability; intellectual disabilities. Identifiers: MedGen C3714756, MeSH D008607, MONDO:0001071, HP:0001249.

Allele frequency attached by ClinVar (database versions not stated): gnomAD exomes below 0.00001.

Submissions (3):

Labcorp Genetics (formerly Invitae), Labcorp
Classification: Pathogenic for Charcot-Marie-Tooth disease, type I. Last evaluated: 2022-11-04. Review status: criteria provided, single submitter. Criteria: Invitae Variant Classification Sherloc (09022015). Collection method: clinical testing. Allele origin: germline.
Comment: This sequence change results in a frameshift in the MPZ gene (p.Ile162Metfs*90). While this is not anticipated to result in nonsense mediated decay, it is expected to disrupt the last 87 amino acid(s) of the MPZ protein and extend the protein by 2 additional amino acid residues. For these reasons, this variant has been classified as Pathogenic. This variant disrupts the region of the MPZ protein between p.Arg98 and p.Ser233. Other variants in this region have been observed in individuals with autosomal dominant MPZ-related conditions (PMID: 7688964, 15729519, 20461396), which suggests that this may be a clinically significant region of the protein. Experimental studies and prediction algorithms are not available or were not evaluated, and the functional significance of this variant is currently unknown. ClinVar contains an entry for this variant (Variation ID: 625199). This frameshift has been observed in individual(s) with clinical features of Charcot-Marie-Tooth disease (PMID: 25614874). This variant is not present in population databases (gnomAD no frequency).

Raymond Lab, University of Cambridge
Classification: Likely pathogenic for Intellectual disability. Last evaluated: 2019-02-13. Review status: criteria provided, single submitter. Criteria: ACMG Guidelines, 2015. Collection method: research. Allele origin: unknown. Affected: yes. Observed: 1 variant allele.

Inherited Neuropathy Consortium
Classification: Pathogenic for Charcot-Marie-Tooth disease. Review status: no assertion criteria provided. Collection method: literature only. Allele origin: germline. Affected: yes. Not counted in ClinVar's aggregate classification.

Literature cited by the submitters: PubMed 7688964 (cited by Labcorp Genetics (formerly Invitae), Labcorp); PubMed 15729519 (cited by Labcorp Genetics (formerly Invitae), Labcorp); PubMed 20461396 (cited by Labcorp Genetics (formerly Invitae), Labcorp); PubMed 25614874 (cited by Labcorp Genetics (formerly Invitae), Labcorp and Inherited Neuropathy Consortium).

NM_000530.8(MPZ):c.486del (p.Ile162fs)

Gene: MPZ (myelin protein zero; minus strand). Cytogenetic location: 1q23.3.
Variant type: Deletion.
Coding change: c.486del on transcript NM_000530.8 (MANE Select); coding-DNA position 486, one base deleted (C; older notation c.486delC).
Protein change: p.Ile162fs; shifts the reading frame from isoleucine 162.
Molecular consequence: frameshift variant.
Genome position (GRCh38, 1-based): chr1:161,306,427, G deleted on the plus strand (C on the coding strand, the reverse complement: MPZ is on the minus strand). VCF-style (leftmost placement, unchanged base first): chr1-161306426-CG-C. GRCh37 (hg19) VCF-style: chr1-161276216-CG-C.
Other names: c.486del, p.Ile162fs (NM_001315491.2); c.486del (NM_000530.6); short protein forms I162fs.
Identifiers: ClinVar variation 625199 (VCV000625199.13), dbSNP rs1571818248, ClinGen allele CA915943867.